The following is an entry in ClinVar:

ClinVar aggregate classification (germline): Uncertain significance. Review status: criteria provided, multiple submitters, no conflicts (2 of 4 stars). 3 submissions from 3 submitters: Uncertain significance (3). Last evaluated 2024-09-07.

Conditions:
Inborn genetic diseases. Identifiers: MedGen C0950123, MeSH D030342.
Isolated cryptophthalmia. Also called: Cryptophthalmos, unilateral or bilateral, isolated; ANKYLOBLEPHARON, SIMPLE. Identifiers: Orphanet 91396, MedGen C1852453, MONDO:0007410, OMIM 123570.
Fraser syndrome 2 (FRASRS2). Identifiers: MedGen C4540036, MONDO:0054738, OMIM 617666.

Submissions (3):

Ambry Genetics
Classification: Uncertain significance for Inborn genetic diseases. Last evaluated: 2024-09-07. Review status: criteria provided, single submitter. Criteria: Ambry Variant Classification Scheme 2023. Collection method: clinical testing. Allele origin: germline.

GeneDx
Classification: Uncertain significance. Last evaluated: 2024-07-10. Review status: criteria provided, single submitter. Criteria: GeneDx Variant Classification Process June 2021. Collection method: clinical testing. Allele origin: germline. Affected: yes.
Comment: In silico analysis indicates that this missense variant does not alter protein structure/function; Has not been previously published as pathogenic or benign to our knowledge

Fulgent Genetics
Classification: Uncertain significance for Isolated cryptophthalmia; Fraser syndrome 2. Last evaluated: 2024-04-26. Review status: criteria provided, single submitter. Criteria: ACMG Guidelines, 2015. Collection method: clinical testing. Allele origin: germline.

NM_207361.6(FREM2):c.1913G>A (p.Arg638Gln)

Gene: FREM2 (FRAS1 related extracellular matrix 2; plus strand). Cytogenetic location: 13q13.3.
Variant type: single nucleotide variant.
Coding change: c.1913G>A on transcript NM_207361.6 (MANE Select); coding-DNA position 1913, G replaced by A.
Protein change: p.Arg638Gln; replaces arginine 638 with glutamine.
Molecular consequence: missense variant.
Genome position (GRCh38, 1-based): chr13:38,689,257, G>A. VCF-style: chr13-38689257-G-A. GRCh37 (hg19) VCF-style: chr13-39263394-G-A.
Other names: short protein forms R638Q.
Identifiers: ClinVar variation 3517097 (VCV003517097.3).